The following is an entry in ClinVar:

NM_000890.5(KCNJ5):c.391G>A (p.Glu131Lys)

Gene: KCNJ5 (potassium inwardly rectifying channel subfamily J member 5; plus strand). Cytogenetic location: 11q24.3.
Variant type: single nucleotide variant.
Coding change: c.391G>A on transcript NM_000890.5 (MANE Select); coding-DNA position 391, G replaced by A.
Protein change: p.Glu131Lys; replaces glutamic acid 131 with lysine.
Molecular consequence: missense variant.
Genome position (GRCh38, 1-based): chr11:128,911,664, G>A. VCF-style: chr11-128911664-G-A. GRCh37 (hg19) VCF-style: chr11-128781559-G-A.
Other names: c.391G>A, p.Glu131Lys (NM_001354169.2); short protein forms E131K.
Identifiers: ClinVar variation 3703371 (VCV003703371.3).

ClinVar aggregate classification (germline): Uncertain significance. Review status: criteria provided, multiple submitters, no conflicts (2 of 4 stars). 2 submissions from 2 submitters: Uncertain significance (2). Last evaluated 2026-01-15.

Conditions:
Cardiovascular phenotype. Identifiers: MedGen CN230736.
Long QT syndrome (LQTS). Identifiers: MedGen C0023976, MeSH D008133, MONDO:0002442. Disease mechanism: loss of function. Inheritance: Various modes of inheritance.

gnomAD v4.1: 11 of 1,614,226 alleles (0.00068%); highest among the groups gnomAD compares: Non-Finnish European, 0.00068%; no homozygotes.

Submissions (2):

Labcorp Genetics (formerly Invitae), Labcorp
Classification: Uncertain significance for Long QT syndrome. Last evaluated: 2026-01-15. Review status: criteria provided, single submitter. Criteria: Invitae Variant Classification Sherloc (09022015). Collection method: clinical testing. Allele origin: germline.
Comment: This sequence change replaces glutamic acid, which is acidic and polar, with lysine, which is basic and polar, at codon 131 of the KCNJ5 protein (p.Glu131Lys). This variant is present in population databases (rs757211184, gnomAD 0.009%). This variant has not been reported in the literature in individuals affected with KCNJ5-related conditions. ClinVar contains an entry for this variant (Variation ID: 3703371). Invitae Evidence Modeling of protein sequence and biophysical properties (such as structural, functional, and spatial information, amino acid conservation, physicochemical variation, residue mobility, and thermodynamic stability) indicates that this missense variant is not expected to disrupt KCNJ5 protein function with a negative predictive value of 80%. In summary, the available evidence is currently insufficient to determine the role of this variant in disease. Therefore, it has been classified as a Variant of Uncertain Significance.

Ambry Genetics
Classification: Uncertain significance for Cardiovascular phenotype. Last evaluated: 2025-09-15. Review status: criteria provided, single submitter. Criteria: Ambry Variant Classification Scheme 2023. Collection method: clinical testing. Allele origin: germline.
Comment: The p.E131K variant (also known as c.391G>A), located in coding exon 1 of the KCNJ5 gene, results from a G to A substitution at nucleotide position 391. The glutamic acid at codon 131 is replaced by lysine, an amino acid with similar properties. This amino acid position is well conserved in available vertebrate species. In addition, this alteration is predicted to be deleterious by in silico analysis. Based on the available evidence, the clinical significance of this variant remains unclear.